The following is an entry in ClinVar:

NM_022489.4(INF2):c.3643_3653del (p.Ser1215fs)

Gene: INF2 (inverted formin 2; plus strand). Cytogenetic location: 14q32.33.
Variant type: Deletion.
Coding change: c.3643_3653del on transcript NM_022489.4 (MANE Select); coding-DNA positions 3643 to 3653, 11 bases deleted (TCAAAGGGGAC).
Protein change: p.Ser1215fs; shifts the reading frame from serine 1215.
Molecular consequence: frameshift variant.
Genome position (GRCh38, 1-based): chr14:104,714,805-104,714,815, TCAAAGGGGAC deleted; deleting any 11 consecutive bases within chr14:104,714,804-104,714,815 gives the same sequence; the c. name uses the placement nearest the transcript's 3' end. VCF-style (leftmost placement, unchanged base first): chr14-104714803-CCTCAAAGGGGA-C. GRCh37 (hg19) VCF-style: chr14-105181140-CCTCAAAGGGGA-C.
Other names: c.3643_3653del, p.Ser1215fs (NM_001031714.4); short protein forms S1215fs.
Identifiers: ClinVar variation 860714 (VCV000860714.7), dbSNP rs762985148, ClinGen allele CA7373330.

ClinVar aggregate classification (germline): Uncertain significance. Review status: criteria provided, multiple submitters, no conflicts (2 of 4 stars). 2 submissions from 2 submitters: Uncertain significance (2). Last evaluated 2022-04-13.

Conditions:
Focal segmental glomerulosclerosis 5 (FSGS5). Identifiers: Orphanet 656, MedGen C2750475, MONDO:0013191, OMIM 613237.
Charcot-Marie-Tooth disease dominant intermediate E. Also called: CHARCOT-MARIE-TOOTH NEUROPATHY WITH FOCAL SEGMENTAL GLOMERULONEPHRITIS. Identifiers: Orphanet 93114, MedGen C4302667, MONDO:0013758, OMIM 614455.

Submissions (2):

Labcorp Genetics (formerly Invitae), Labcorp
Classification: Uncertain significance for Charcot-Marie-Tooth disease dominant intermediate E; Focal segmental glomerulosclerosis 5. Last evaluated: 2022-04-13. Review status: criteria provided, single submitter. Criteria: Invitae Variant Classification Sherloc (09022015). Collection method: clinical testing. Allele origin: germline.
Comment: In summary, the available evidence is currently insufficient to determine the role of this variant in disease. Therefore, it has been classified as a Variant of Uncertain Significance. ClinVar contains an entry for this variant (Variation ID: 860714). This variant has not been reported in the literature in individuals affected with INF2-related conditions. This variant is present in population databases (rs762985148, gnomAD 0.01%). This sequence change creates a premature translational stop signal (p.Ser1215Argfs*18) in the INF2 gene. It is expected to result in an absent or disrupted protein product. However, the current clinical and genetic evidence is not sufficient to establish whether loss-of-function variants in INF2 cause disease.

Fulgent Genetics
Classification: Uncertain significance for Focal segmental glomerulosclerosis 5; Charcot-Marie-Tooth disease dominant intermediate E. Last evaluated: 2021-09-08. Review status: criteria provided, single submitter. Criteria: ACMG Guidelines, 2015. Collection method: clinical testing. Allele origin: unknown.